The following is an entry in ClinVar:

ClinVar aggregate classification (germline): Conflicting classifications of pathogenicity. Review status: criteria provided, conflicting classifications (1 of 4 stars). 3 submissions from 3 submitters: Likely pathogenic (1); Uncertain significance (2). Last evaluated 2026-09-22.

Conditions:
Retinitis pigmentosa-hearing loss-premature aging-short stature-facial dysmorphism syndrome. Also called: Short stature, hearing loss, retinitis pigmentosa, and distinctive facies. Identifiers: Orphanet 494439, MedGen C4540367, MONDO:0044634, OMIM 617763.

Allele frequency attached by ClinVar (database versions not stated): gnomAD 0.00001; gnomAD exomes 0.00002 and 0.00001; ESP Exome Variant Server 0.00008; 1000 Genomes Project 0.00020; TOPMed 0.00001; ExAC 0.00002; 1000 Genomes Project 30x 0.00031.
gnomAD v4.1: 16 of 1,614,142 alleles (0.00099%); highest among the groups gnomAD compares: East Asian, 0.025%; no homozygotes.

Submissions (3):

Department of Genetics, Institute for Developmental Research, Aichi Developmental Disability Center
Classification: Likely pathogenic for Retinitis pigmentosa-hearing loss-premature aging-short stature-facial dysmorphism syndrome. Last evaluated: 2026-09-22. Review status: criteria provided, single submitter. Criteria: ACMG Guidelines, 2015. Collection method: research. Allele origin: maternal. Inheritance: Autosomal recessive inheritance. Affected: yes. Observed: 1 variant allele, 1 compound heterozygote.
Comment: The NM_001282708.1:c.317C>T (p.Ser106Leu) variant is rarely reported in healthy cohorts (PM2), and multiple in silico predictors provided evidences that the variant is damaging (PP3). Additionally, we have confirmed that both variants decrease EXOSC2 expression using molecular biological techniques such as Western blotting and minigene assay (PS3), and the results will be published soon (DOI: 10.21203/rs.3.rs-9039053/v1). In summary, this variant meets criteria to be classified as “likely pathogenic” on the ACMG criteria.

Ambry Genetics
Classification: Uncertain significance. Last evaluated: 2024-06-10. Review status: criteria provided, single submitter. Criteria: Ambry Variant Classification Scheme 2023. Collection method: clinical testing. Allele origin: germline.

Labcorp Genetics (formerly Invitae), Labcorp
Classification: Uncertain significance. Last evaluated: 2022-06-13. Review status: criteria provided, single submitter. Criteria: Invitae Variant Classification Sherloc (09022015). Collection method: clinical testing. Allele origin: germline.
Comment: In summary, the available evidence is currently insufficient to determine the role of this variant in disease. Therefore, it has been classified as a Variant of Uncertain Significance. Algorithms developed to predict the effect of missense changes on protein structure and function are either unavailable or do not agree on the potential impact of this missense change (SIFT: "Deleterious"; PolyPhen-2: "Possibly Damaging"; Align-GVGD: "Class C0"). ClinVar contains an entry for this variant (Variation ID: 840592). This variant has not been reported in the literature in individuals affected with EXOSC2-related conditions. This variant is present in population databases (rs150081500, gnomAD 0.02%). This sequence change replaces serine, which is neutral and polar, with leucine, which is neutral and non-polar, at codon 106 of the EXOSC2 protein (p.Ser106Leu).

Literature cited by the submitters: DOI 10.21203/rs.3.rs-9039053/v1 (cited by Department of Genetics, Institute for Developmental Research, Aichi Developmental Disability Center).

NM_014285.7(EXOSC2):c.317C>T (p.Ser106Leu)

Gene: EXOSC2 (exosome component 2; plus strand). Cytogenetic location: 9q34.12.
Variant type: single nucleotide variant.
Coding change: c.317C>T on transcript NM_014285.7 (MANE Select); coding-DNA position 317, C replaced by T.
Protein change: p.Ser106Leu; replaces serine 106 with leucine.
Molecular consequence: missense variant. On other transcripts: non-coding transcript variant (1), intron variant (1).
Genome position (GRCh38, 1-based): chr9:130,698,208, C>T. VCF-style: chr9-130698208-C-T. GRCh37 (hg19) VCF-style: chr9-133573595-C-T.
Other names: c.317C>T (NM_014285.5); c.317C>T, p.Ser106Leu (NM_001282708.1); c.270+581C>T (NM_001282709.1); short protein forms S106L.
Identifiers: ClinVar variation 840592 (VCV000840592.11), dbSNP rs150081500, ClinGen allele CA5284819.
Genomic context (GRCh38, chr9:130,698,208, plus strand): 5'-AACTTGGCTTATAGGTTCAACAGAAGAGGTGGAAGGTGGAGACCAACTCCAGGCTGGATT[C>T]GGTCTTGCTGCTCTCGTCCATGAACCTTCCTGGAGGAGAGCTGGTAAGGGCTACAGCTGG-3'
Protein context (NP_055100.2, residues 96-116): WKVETNSRLD[Ser106Leu]VLLLSSMNLP